The following is an entry in ClinVar:

NM_001174150.2(ARL13B):c.64G>A (p.Val22Met)

Gene: ARL13B (ARF like GTPase 13B; plus strand). Cytogenetic location: 3q11.1.
Variant type: single nucleotide variant.
Coding change: c.64G>A on transcript NM_001174150.2 (MANE Select); coding-DNA position 64, G replaced by A.
Protein change: p.Val22Met; replaces valine 22 with methionine.
Molecular consequence: missense variant. On other transcripts: 5 prime UTR variant (1), non-coding transcript variant (2), intron variant (2).
Genome position (GRCh38, 1-based): chr3:93,995,878, G>A. VCF-style: chr3-93995878-G-A. GRCh37 (hg19) VCF-style: chr3-93714722-G-A.
Other names: c.-104G>A (NM_001321328.2); c.64G>A, p.Val22Met (NM_182896.3); c.-179-7781G>A (NM_001174151.2); c.59+15396G>A (NM_144996.4); short protein forms V22M.
Identifiers: ClinVar variation 954650 (VCV000954650.5), dbSNP rs752373152, ClinGen allele CA2503754.
Genomic context (GRCh38, chr3:93,995,878, plus strand): 5'-TTTCCTCAATACTAAATTAACAAAGAAAGTGATTTTTAAATTTCTATTATTTTAAGAAAG[G>A]TGACTCTTTTGATGGTGGGACTTGATAATGCTGGTAAAACCGCAACAGCAAAGGGAATCC-3'
Protein context (NP_001167621.1, residues 12-32): FKRWREPVRK[Val22Met]TLLMVGLDNA

ClinVar aggregate classification (germline): Uncertain significance (1 of 4 stars; one submission).

Conditions:
Joubert syndrome 8 (JBTS8). Identifiers: Orphanet 475, MedGen C2676771, MONDO:0012855, OMIM 612291.

Allele frequency attached by ClinVar (database versions not stated): gnomAD exomes below 0.00001; ExAC 0.00001; gnomAD 0.00001; TOPMed 0.00001.
gnomAD v4.1: 2 of 1,610,664 alleles (0.00012%); highest among the groups gnomAD compares: Admixed American, 0.0017%; no homozygotes.

Submission:

Labcorp Genetics (formerly Invitae), Labcorp
Classification: Uncertain significance for Joubert syndrome 8. Last evaluated: 2022-04-21. Review status: criteria provided, single submitter. Criteria: Invitae Variant Classification Sherloc (09022015). Collection method: clinical testing. Allele origin: germline.
Comment: This sequence change replaces valine, which is neutral and non-polar, with methionine, which is neutral and non-polar, at codon 22 of the ARL13B protein (p.Val22Met). This variant is present in population databases (rs752373152, gnomAD 0.004%). In summary, the available evidence is currently insufficient to determine the role of this variant in disease. Therefore, it has been classified as a Variant of Uncertain Significance. Algorithms developed to predict the effect of missense changes on protein structure and function are either unavailable or do not agree on the potential impact of this missense change (SIFT: "Deleterious"; PolyPhen-2: "Probably Damaging"; Align-GVGD: "Class C0"). ClinVar contains an entry for this variant (Variation ID: 954650). This variant has not been reported in the literature in individuals affected with ARL13B-related conditions.